The following is an entry in ClinVar:

NM_000346.4(SOX9):c.302A>G (p.Asn101Ser)

Genes: SOX9 (SRY-box transcription factor 9; plus strand), LOC108021846 (SOX9 promoter region; plus strand). Cytogenetic location: 17q24.3.
Variant type: single nucleotide variant.
Coding change: c.302A>G on transcript NM_000346.4 (MANE Select); coding-DNA position 302, A replaced by G.
Protein change: p.Asn101Ser; replaces asparagine 101 with serine.
Molecular consequence: missense variant.
Genome position (GRCh38, 1-based): chr17:72,121,693, A>G. VCF-style: chr17-72121693-A-G. GRCh37 (hg19) VCF-style: chr17-70117834-A-G.
Other names: short protein forms N101S.
Identifiers: ClinVar variation 4778005 (VCV004778005.1).

ClinVar aggregate classification (germline): Uncertain significance (1 of 4 stars; one submission).

Conditions:
Camptomelic dysplasia (CMPD). Also called: Campomelic Dysplasia; CMPD1/SRA1. Identifiers: Orphanet 140, MedGen C1861922, MONDO:0007251, OMIM 114290.

Submission:

Labcorp Genetics (formerly Invitae), Labcorp
Classification: Uncertain significance for Camptomelic dysplasia. Last evaluated: 2025-02-27. Review status: criteria provided, single submitter. Criteria: Invitae Variant Classification Sherloc (09022015). Collection method: clinical testing. Allele origin: germline.
Comment: This sequence change replaces asparagine, which is neutral and polar, with serine, which is neutral and polar, at codon 101 of the SOX9 protein (p.Asn101Ser). This variant is not present in population databases (gnomAD no frequency). This variant has not been reported in the literature in individuals affected with SOX9-related conditions. Invitae Evidence Modeling of protein sequence and biophysical properties (such as structural, functional, and spatial information, amino acid conservation, physicochemical variation, residue mobility, and thermodynamic stability) indicates that this missense variant is not expected to disrupt SOX9 protein function with a negative predictive value of 95%. In summary, the available evidence is currently insufficient to determine the role of this variant in disease. Therefore, it has been classified as a Variant of Uncertain Significance.